The following is an entry in ClinVar:

NM_000143.4(FH):c.936del (p.Phe312fs)

Gene: FH (fumarate hydratase; minus strand). Cytogenetic location: 1q43.
Variant type: Deletion.
Coding change: c.936del on transcript NM_000143.4 (MANE Select); coding-DNA position 936, one base deleted (T; older notation c.936delT).
Protein change: p.Phe312fs; shifts the reading frame from phenylalanine 312.
Molecular consequence: frameshift variant.
Genome position (GRCh38, 1-based): chr1:241,504,214, A deleted on the plus strand (T on the coding strand, the reverse complement: FH is on the minus strand); the first of 3 consecutive A bases (chr1:241,504,214-241,504,216); deleting any one gives the same sequence. VCF-style (leftmost placement, unchanged base first): chr1-241504213-CA-C. GRCh37 (hg19) VCF-style: chr1-241667513-CA-C.
Other names: short protein forms F312fs.
Identifiers: ClinVar variation 1073357 (VCV001073357.45), dbSNP rs2147916324, ClinGen allele CA2499214634.

ClinVar aggregate classification (germline): Pathogenic (1 of 4 stars; one submission).

Submission:

Labcorp Genetics (formerly Invitae), Labcorp
Classification: Pathogenic. Last evaluated: 2020-03-17. Review status: criteria provided, single submitter. Criteria: Invitae Variant Classification Sherloc (09022015). Collection method: clinical testing. Allele origin: germline.
Comment: For these reasons, this variant has been classified as Pathogenic. Loss-of-function variants in FH are known to be pathogenic (PMID: 11865300, 21398687). This variant has not been reported in the literature in individuals with FH-related conditions. This variant is not present in population databases (ExAC no frequency). This sequence change creates a premature translational stop signal (p.Phe312Leufs*17) in the FH gene. It is expected to result in an absent or disrupted protein product.

Literature cited by the submitters: PubMed 11865300; PubMed 21398687.